The following is an entry in ClinVar:

NM_006005.3(WFS1):c.1297G>A (p.Ala433Thr)

Gene: WFS1 (wolframin ER transmembrane glycoprotein; plus strand). Cytogenetic location: 4p16.1.
Variant type: single nucleotide variant.
Coding change: c.1297G>A on transcript NM_006005.3 (MANE Select); coding-DNA position 1297, G replaced by A.
Protein change: p.Ala433Thr; replaces alanine 433 with threonine.
Molecular consequence: missense variant.
Genome position (GRCh38, 1-based): chr4:6,301,092, G>A. VCF-style: chr4-6301092-G-A. GRCh37 (hg19) VCF-style: chr4-6302819-G-A.
Other names: c.1297G>A, p.Ala433Thr (NM_001145853.1); short protein forms A433T.
Identifiers: ClinVar variation 166587 (VCV000166587.16), dbSNP rs138771366, ClinGen allele CA179647.

ClinVar aggregate classification (germline): Uncertain significance. Review status: criteria provided, multiple submitters, no conflicts (2 of 4 stars). 6 submissions from 6 submitters: Uncertain significance (5). 1 of the submissions does not count toward it. Last evaluated 2026-05-12.

Conditions:
WFS1-related disorder. Identifiers: MedGen CN379391, MONDO:0700293.
Wolfram-like syndrome. Also called: HEARING LOSS, PROGRESSIVE, WITH OPTIC ATROPHY AND/OR IMPAIRED GLUCOSE REGULATION. Identifiers: Orphanet 411590, MedGen C3280358, MONDO:0013673, OMIM 614296.
Wolfram syndrome 1 (WFS1). Identifiers: Orphanet 3463, MedGen C4551693, MONDO:0009101, OMIM 222300.
Autosomal dominant nonsyndromic hearing loss 6 (LFSNHL). Also called: DEAFNESS, AUTOSOMAL DOMINANT 6; Autosomal dominant nonsyndromic deafness 6; DEAFNESS, AUTOSOMAL DOMINANT 14; DEAFNESS, AUTOSOMAL DOMINANT 38. Identifiers: Orphanet 90635, MedGen C1833021, MONDO:0010963, OMIM 600965.
Type 2 diabetes mellitus. Also called: Type II diabetes mellitus. Identifiers: MedGen C0011860, MeSH D003924, MONDO:0005148, OMIM 125853, HP:0005978.
Cataract 41 (CTRCT41). Also called: CATARACT 41, CONGENITAL NUCLEAR TYPE. Identifiers: Orphanet 91492, Orphanet 98991, Orphanet 98992, Orphanet 98995, MedGen C3805412, MONDO:0007287, OMIM 116400.
Inborn genetic diseases. Identifiers: MedGen C0950123, MeSH D030342.

Allele frequency attached by ClinVar (database versions not stated): TOPMed 0.00002; gnomAD 0.00005 and 0.00006; gnomAD exomes 0.00006; ExAC 0.00007; ESP Exome Variant Server 0.00015.
gnomAD v4.1: 267 of 1,613,806 alleles (0.017%); highest among the groups gnomAD compares: Non-Finnish European, 0.022%; no homozygotes.

Submissions (6):

PreventionGenetics, part of Exact Sciences
Classification: Uncertain significance for WFS1-related condition. Last evaluated: 2026-05-12. Review status: criteria provided, single submitter. Criteria: ACMG Guidelines, 2015. Collection method: clinical testing. Allele origin: germline.
Comment: The WFS1 c.1297G>A variant is predicted to result in the amino acid substitution p.Ala433Thr. To our knowledge, this variant has not been reported in the literature. This variant is reported in 0.012% of alleles in individuals of European (Non-Finnish) descent in gnomAD. At this time, the clinical significance of this variant is uncertain due to the absence of conclusive functional and genetic evidence.

Labcorp Genetics (formerly Invitae), Labcorp
Classification: Uncertain significance. Last evaluated: 2025-03-05. Review status: criteria provided, single submitter. Criteria: Invitae Variant Classification Sherloc (09022015). Collection method: clinical testing. Allele origin: germline.
Comment: This sequence change replaces alanine, which is neutral and non-polar, with threonine, which is neutral and polar, at codon 433 of the WFS1 protein (p.Ala433Thr). This variant is present in population databases (rs138771366, gnomAD 0.01%). This variant has not been reported in the literature in individuals affected with WFS1-related conditions. ClinVar contains an entry for this variant (Variation ID: 166587). Invitae Evidence Modeling of protein sequence and biophysical properties (such as structural, functional, and spatial information, amino acid conservation, physicochemical variation, residue mobility, and thermodynamic stability) indicates that this missense variant is not expected to disrupt WFS1 protein function with a negative predictive value of 95%. In summary, the available evidence is currently insufficient to determine the role of this variant in disease. Therefore, it has been classified as a Variant of Uncertain Significance.

Fulgent Genetics
Classification: Uncertain significance for Cataract 41; Type 2 diabetes mellitus; Wolfram syndrome 1; Autosomal dominant nonsyndromic hearing loss 6; Wolfram-like syndrome. Last evaluated: 2024-01-05. Review status: criteria provided, single submitter. Criteria: ACMG Guidelines, 2015. Collection method: clinical testing. Allele origin: germline.

Ambry Genetics
Classification: Uncertain significance for Inborn genetic diseases. Last evaluated: 2023-04-12. Review status: criteria provided, single submitter. Criteria: Ambry Variant Classification Scheme 2023. Collection method: clinical testing. Allele origin: germline.

Laboratory for Molecular Medicine, Mass General Brigham Personalized Medicine
Classification: Uncertain significance. Last evaluated: 2016-02-07. Review status: criteria provided, single submitter. Criteria: LMM Criteria. Collection method: clinical testing. Allele origin: germline. Observed: 2 variant alleles.
Comment: The p.Ala433Thr variant in WFS1 has not been previously reported in individuals with hearing loss or Wolfram syndrome. This variant has been identified in 8/66 730 European chromosomes by the Exome Aggregation Consortium (ExAC.; dbSNP rs138771366); however, its frequency is not high enoug h to rule out a pathogenic role. Computational prediction tools and conservation analyses suggest that the p.Ala433Thr variant may not impact the protein, thoug h this information is not predictive enough to rule out pathogenicity. In summar y, the clinical significance of the p.Ala433Thr variant is uncertain.

Division of Human Genetics, Children's Hospital of Philadelphia
Classification: Uncertain significance for Autosomal dominant nonsyndromic hearing loss 6. Last evaluated: 2015-10-30. Review status: no assertion criteria provided. Collection method: research. Allele origin: maternal. Affected: yes. Study: CSER-PediSeq. Not counted in ClinVar's aggregate classification.